The following is an entry in ClinVar:

ClinVar aggregate classification (germline): Uncertain significance (1 of 4 stars; one submission).

Conditions:
Hereditary cancer-predisposing syndrome. Also called: Neoplastic Syndromes, Hereditary; Tumor predisposition; Hereditary neoplastic syndrome; Hereditary Cancer Syndrome. Identifiers: Orphanet 140162, MedGen C0027672, MeSH D009386, MONDO:0015356.

Submission:

Ambry Genetics
Classification: Uncertain significance for Hereditary cancer-predisposing syndrome. Last evaluated: 2023-02-03. Review status: criteria provided, single submitter. Criteria: Ambry Variant Classification Scheme 2023. Collection method: clinical testing. Allele origin: germline.
Comment: The c.576+4A>T intronic variant results from an A to T substitution 4 nucleotides after coding exon 7 in the MUTYH gene. This nucleotide position is not well conserved in available vertebrate species. In silico splice site analysis predicts that this alteration will not have any significant effect on splicing; however, direct evidence is insufficient at this time (Ambry internal data). Since supporting evidence is limited at this time, the clinical significance of this alteration remains unclear.

NM_001048174.2(MUTYH):c.492+4A>T

Gene: MUTYH (mutY DNA glycosylase; minus strand). Cytogenetic location: 1p34.1.
Variant type: single nucleotide variant.
Coding change: c.492+4A>T on transcript NM_001048174.2 (MANE Select); 4 bases into the intron after coding-DNA position 492, A replaced by T.
Molecular consequence: intron variant.
Genome position (GRCh38, 1-based): chr1:45,332,759, T>A on the plus strand (A>T on the coding strand, the complement: MUTYH is on the minus strand). VCF-style: chr1-45332759-T-A. GRCh37 (hg19) VCF-style: chr1-45798431-T-A.
Other names: c.492+4A>T (NM_001407072.1, NM_001407073.1, NM_001048171.2 and 6 more transcripts); c.147+4A>T (NM_001350651.2, NM_001350650.2, NM_001407082.1); c.216+4A>T (NM_001293192.2, NM_001293196.2, NM_001407091.1); c.537+4A>T (NM_001293190.2); c.525+4A>T (NM_001407069.1, NM_001407077.1, NM_001293191.2); c.567+4A>T (NM_012222.3); c.576+4A>T (NM_001128425.2); c.495+4A>T (NM_001407071.1, NM_001048172.2, NM_001407078.1 and 1 more transcripts); and 5 more.
Identifiers: ClinVar variation 2453362 (VCV002453362.2), dbSNP rs1064796369, ClinGen allele CA2580063127.